The following is an entry in ClinVar:

ClinVar aggregate classification (germline): Conflicting classifications of pathogenicity. Review status: criteria provided, conflicting classifications (1 of 4 stars). 4 submissions from 4 submitters: Uncertain significance (3); Likely benign (1). Last evaluated 2026-01-24.

Conditions:
Familial thoracic aortic aneurysm and aortic dissection (TAAD). Also called: Thoracic aortic aneurysms and dissections. Identifiers: Orphanet 91387, MedGen C4707243, MONDO:0019625.
Arterial tortuosity syndrome (ATORS). Identifiers: Orphanet 3342, MedGen C1859726, MONDO:0008818, OMIM 208050.

Allele frequency attached by ClinVar (database versions not stated): gnomAD exomes 0.00004 and 0.00006; ExAC 0.00008; TOPMed 0.00028; gnomAD 0.00032 and 0.00034; ESP Exome Variant Server 0.00046.
gnomAD v4.1: 106 of 1,614,098 alleles (0.0066%); highest among the groups gnomAD compares: Middle Eastern, 0.13%; no homozygotes.

Submissions (4):

Labcorp Genetics (formerly Invitae), Labcorp
Classification: Likely benign for Arterial tortuosity syndrome. Last evaluated: 2026-01-24. Review status: criteria provided, single submitter. Criteria: Invitae Variant Classification Sherloc (09022015). Collection method: clinical testing. Allele origin: germline.

GeneDx
Classification: Uncertain significance. Last evaluated: 2025-07-18. Review status: criteria provided, single submitter. Criteria: GeneDx Variant Classification Process June 2021. Collection method: clinical testing. Allele origin: germline. Affected: yes.
Comment: Has not been previously published as pathogenic or benign to our knowledge; In silico analysis suggests that this missense variant does not alter protein structure/function

CeGaT Center for Human Genetics Tuebingen
Classification: Uncertain significance. Last evaluated: 2025-02-01. Review status: criteria provided, single submitter. Criteria: CeGaT Center For Human Genetics Tuebingen Variant Classification Criteria Version 2. Collection method: clinical testing. Allele origin: germline. Affected: yes. Observed: 1 variant allele.
Comment: SLC2A10: PM2, BP4

Ambry Genetics
Classification: Uncertain significance for Familial thoracic aortic aneurysm and aortic dissection. Last evaluated: 2024-12-31. Review status: criteria provided, single submitter. Criteria: Ambry Variant Classification Scheme 2023. Collection method: clinical testing. Allele origin: germline.
Comment: The p.D226N variant (also known as c.676G>A), located in coding exon 2 of the SLC2A10 gene, results from a G to A substitution at nucleotide position 676. The aspartic acid at codon 226 is replaced by asparagine, an amino acid with highly similar properties. This amino acid position is not well conserved in available vertebrate species. In addition, this alteration is predicted to be tolerated by in silico analysis. Since supporting evidence is limited at this time, the clinical significance of this alteration remains unclear.

NM_030777.4(SLC2A10):c.676G>A (p.Asp226Asn)

Gene: SLC2A10 (solute carrier family 2 member 10; plus strand). Cytogenetic location: 20q13.12.
Variant type: single nucleotide variant.
Coding change: c.676G>A on transcript NM_030777.4 (MANE Select); coding-DNA position 676, G replaced by A.
Protein change: p.Asp226Asn; replaces aspartic acid 226 with asparagine.
Molecular consequence: missense variant.
Genome position (GRCh38, 1-based): chr20:46,725,712, G>A. VCF-style: chr20-46725712-G-A. GRCh37 (hg19) VCF-style: chr20-45354351-G-A.
Other names: short protein forms D226N.
Identifiers: ClinVar variation 1494803 (VCV001494803.26), dbSNP rs142402955, ClinGen allele CA9892023.